The following is an entry in ClinVar:

NM_000868.4(HTR2C):c.255C>T (p.His85=)

Gene: HTR2C (5-hydroxytryptamine receptor 2C; plus strand). Cytogenetic location: Xq23.
Variant type: single nucleotide variant.
Coding change: c.255C>T on transcript NM_000868.4 (MANE Select); coding-DNA position 255, C replaced by T.
Protein change: p.His85=; no amino-acid change (histidine 85 retained).
Molecular consequence: synonymous variant.
Genome position (GRCh38, 1-based): chrX:114,731,513, C>T. VCF-style: chrX-114731513-C-T. GRCh37 (hg19) VCF-style: chrX-113965922-C-T.
Other names: c.255C>T, p.His85= (NM_001256760.3, NM_001256761.3).
Identifiers: ClinVar variation 3351367 (VCV003351367.1).

ClinVar aggregate classification (germline): Likely benign (0 of 4 stars; one submission).

Conditions:
HTR2C-related disorder. Also called: HTR2C-related condition.

gnomAD v4.1: 1 of 1,203,056 alleles (0.000083%); highest among the groups gnomAD compares: African/African-American, 0.0017%; no homozygotes.

Submission:

PreventionGenetics, part of Exact Sciences
Classification: Likely benign for HTR2C-related condition. Last evaluated: 2023-03-16. Review status: no assertion criteria provided. Collection method: clinical testing. Allele origin: germline.
Comment: This variant is classified as likely benign based on ACMG/AMP sequence variant interpretation guidelines (Richards et al. 2015 PMID: 25741868, with internal and published modifications).